The following is an entry in ClinVar:

ClinVar aggregate classification (germline): Pathogenic. Review status: reviewed by expert panel (3 of 4 stars). 9 submissions from 9 submitters: Pathogenic (1). 8 of the submissions do not count toward it. Last evaluated 2016-09-08.

Conditions:
Breast-ovarian cancer, familial, susceptibility to, 2 (BROVCA2). Also called: BRCA2 Hereditary Breast and Ovarian Cancer. Identifiers: Orphanet 145, MedGen C2675520, MONDO:0012933, OMIM 612555. Disease mechanism: loss of function.
Hereditary breast ovarian cancer syndrome. Also called: Hereditary breast and ovarian cancer syndrome; Breast and ovarian cancer; BRCA1- and BRCA2-Associated Hereditary Breast and Ovarian Cancer; Hereditary breast and ovarian cancer syndrome (HBOC); Hereditary breast and ovarian cancer; Hereditary breast and/or ovarian cancer syndrome. Identifiers: Orphanet 145, MedGen C0677776, MeSH D061325, MONDO:0003582. Disease mechanism: loss of function.
Fanconi anemia complementation group D1. Also called: BRCA2-Related Fanconi Anemia. Identifiers: Orphanet 319462, MedGen C1838457, MONDO:0011584, OMIM 605724.
Familial cancer of breast. Also called: BREAST CANCER, FAMILIAL; hereditary breast carcinoma; Hereditary breast cancer. Identifiers: Orphanet 227535, MedGen C0346153, MONDO:0016419, OMIM 114480. Disease mechanism: loss of function.
Medulloblastoma (MDB). Also called: Medulloblastoma, somatic; MEDULLOBLASTOMA PREDISPOSITION SYNDROME. Identifiers: Orphanet 616, MedGen C0025149, MeSH D008527, MONDO:0007959, OMIM 155255, HP:0002885.
Pancreatic cancer, susceptibility to, 2. Identifiers: Orphanet 1333, MedGen C3150546, MONDO:0013235, OMIM 613347.
Glioma susceptibility 3 (GLM3). Also called: Glioblastoma 3. Identifiers: Orphanet 182067, Orphanet 360, MedGen C2751641, MONDO:0013093, OMIM 613029.
Familial prostate cancer. Also called: Hereditary Prostate Cancer. Identifiers: MedGen C2931456, MONDO:0700275, OMIM 176807.
Wilms tumor 1 (WT1). Also called: Wilms tumor, somatic. Identifiers: Orphanet 654, MedGen CN033288, MONDO:0008679, OMIM 194070.
Hereditary cancer-predisposing syndrome. Also called: Hereditary neoplastic syndrome; Hereditary Cancer Syndrome; Neoplastic Syndromes, Hereditary; Tumor predisposition. Identifiers: Orphanet 140162, MedGen C0027672, MeSH D009386, MONDO:0015356.

Submissions (9):

Evidence-based Network for the Interpretation of Germline Mutant Alleles (ENIGMA)
Classification: Pathogenic for Breast-ovarian cancer, familial, susceptibility to, 2. Last evaluated: 2016-09-08. Review status: reviewed by expert panel. Criteria: ENIGMA BRCA1/2 Classification Criteria (2015). Collection method: curation. Allele origin: germline.
Comment: Variant allele predicted to encode a truncated non-functional protein.

Labcorp Genetics (formerly Invitae), Labcorp
Classification: Pathogenic for Hereditary breast ovarian cancer syndrome. Last evaluated: 2024-08-01. Review status: criteria provided, single submitter. Criteria: Invitae Variant Classification Sherloc (09022015). Collection method: clinical testing. Allele origin: germline. Not counted in ClinVar's aggregate classification.
Comment: This sequence change creates a premature translational stop signal (p.Cys738*) in the BRCA2 gene. It is expected to result in an absent or disrupted protein product. Loss-of-function variants in BRCA2 are known to be pathogenic (PMID: 20104584). This variant is not present in population databases (gnomAD no frequency). This variant has not been reported in the literature in individuals affected with BRCA2-related conditions. ClinVar contains an entry for this variant (Variation ID: 91771). For these reasons, this variant has been classified as Pathogenic.

Fulgent Genetics
Classification: Pathogenic for Familial cancer of breast; Medulloblastoma; Familial prostate cancer; Wilms tumor 1; Fanconi anemia complementation group D1; Breast-ovarian cancer, familial, susceptibility to, 2; Glioma susceptibility 3; Pancreatic cancer, susceptibility to, 2. Last evaluated: 2024-04-19. Review status: criteria provided, single submitter. Criteria: ACMG Guidelines, 2015. Collection method: clinical testing. Allele origin: germline. Not counted in ClinVar's aggregate classification.

Ambry Genetics
Classification: Pathogenic for Hereditary cancer-predisposing syndrome. Last evaluated: 2024-01-02. Review status: criteria provided, single submitter. Criteria: Ambry Variant Classification Scheme 2023. Collection method: clinical testing. Allele origin: germline. Not counted in ClinVar's aggregate classification.
Comment: The p.C738* pathogenic mutation (also known as c.2214T>A), located in coding exon 10 of the BRCA2 gene, results from a T to A substitution at nucleotide position 2214. This changes the amino acid from a cysteine to a stop codon within coding exon 10. This alteration is expected to result in loss of function by premature protein truncation or nonsense-mediated mRNA decay. As such, this alteration is interpreted as a disease-causing mutation.

ARUP Laboratories, Molecular Genetics and Genomics, ARUP Laboratories
Classification: Pathogenic. Last evaluated: 2023-09-26. Review status: criteria provided, single submitter. Criteria: ARUP Molecular Germline Variant Investigation Process 2024. Collection method: clinical testing. Allele origin: germline. Not counted in ClinVar's aggregate classification.
Comment: The BRCA2 c.2214T>A; p.Cys738Ter variant (rs398122742) is reported in the literature in individuals with a personal or family history of breast and/or ovarian cancer (Rebbeck 2018). This variant is reported in ClinVar (Variation ID: 91771), and is absent from the Genome Aggregation Database, indicating it is not a common polymorphism. This variant induces an early termination codon and is predicted to result in a truncated protein or mRNA subject to nonsense-mediated decay. Based on available information, this variant is considered to be pathogenic. References: Rebbeck TR et al. Mutational spectrum in a worldwide study of 29,700 families with BRCA1 or BRCA2 mutations. Hum Mutat. 2018 May;39(5):593-620. PMID: 29446198.

Color Diagnostics, LLC DBA Color Health
Classification: Pathogenic for Hereditary cancer-predisposing syndrome. Last evaluated: 2021-09-03. Review status: criteria provided, single submitter. Criteria: ACMG Guidelines, 2015. Collection method: clinical testing. Allele origin: germline. Not counted in ClinVar's aggregate classification.
Comment: This variant changes 1 nucleotide in exon 11 of the BRCA2 gene, creating a premature translation stop signal. This variant is expected to result in an absent or non-functional protein product. To our knowledge, this variant has not been reported in individuals affected with hereditary cancer in the literature. This variant has not been identified in the general population by the Genome Aggregation Database (gnomAD). Loss of BRCA2 function is a known mechanism of disease. Based on the available evidence, this variant is classified as Pathogenic.

GeneDx
Classification: Pathogenic. Last evaluated: 2020-01-22. Review status: criteria provided, single submitter. Criteria: GeneDx Variant Classification Process June 2021. Collection method: clinical testing. Allele origin: germline. Affected: yes. Not counted in ClinVar's aggregate classification.
Comment: Nonsense variant predicted to result in protein truncation or nonsense mediated decay in a gene for which loss-of-function is a known mechanism of disease; Observed in individuals evaluated for hereditary breast and ovarian cancer (Rebbeck 2018); Truncating variants in this gene are considered pathogenic by a well-established clinical consortium and/or database; Not observed in large population cohorts (Lek 2016); Also known as 2442T>A; This variant is associated with the following publications: (PMID: 29446198)

Consortium of Investigators of Modifiers of BRCA1/2 (CIMBA), c/o University of Cambridge
Classification: Pathogenic for Breast-ovarian cancer, familial, susceptibility to, 2. Last evaluated: 2015-10-02. Review status: criteria provided, single submitter. Criteria: CIMBA Mutation Classification guidelines May 2016. Collection method: clinical testing. Allele origin: germline. Not counted in ClinVar's aggregate classification.

Sharing Clinical Reports Project (SCRP)
Classification: Pathogenic for Breast-ovarian cancer, familial 2. Last evaluated: 2012-05-01. Review status: no assertion criteria provided. Collection method: clinical testing. Allele origin: germline. Not counted in ClinVar's aggregate classification.

Literature cited by the submitters: PubMed 20104584 (cited by Labcorp Genetics (formerly Invitae), Labcorp).

NM_000059.4(BRCA2):c.2214T>A (p.Cys738Ter)

Gene: BRCA2 (BRCA2 DNA repair associated; plus strand). Cytogenetic location: 13q13.1.
Variant type: single nucleotide variant.
Coding change: c.2214T>A on transcript NM_000059.4 (MANE Select); coding-DNA position 2214, T replaced by A.
Protein change: p.Cys738Ter; replaces cysteine 738 with a stop codon.
Molecular consequence: nonsense.
Genome position (GRCh38, 1-based): chr13:32,336,569, T>A. VCF-style: chr13-32336569-T-A. GRCh37 (hg19) VCF-style: chr13-32910706-T-A.
Other names: 2442T>A; short protein forms C738*.
Identifiers: ClinVar variation 91771 (VCV000091771.17), dbSNP rs398122742, ClinGen allele CA014637.